The following is an entry in ClinVar:

NM_032242.4(PLXNA1):c.2113G>T (p.Asp705Tyr)

Gene: PLXNA1 (plexin A1; plus strand). Cytogenetic location: 3q21.3.
Variant type: single nucleotide variant.
Coding change: c.2113G>T on transcript NM_032242.4 (MANE Select); coding-DNA position 2113, G replaced by T.
Protein change: p.Asp705Tyr; replaces aspartic acid 705 with tyrosine.
Molecular consequence: missense variant.
Genome position (GRCh38, 1-based): chr3:127,011,958, G>T. VCF-style: chr3-127011958-G-T. GRCh37 (hg19) VCF-style: chr3-126730801-G-T.
Other names: short protein forms D705Y.
Identifiers: ClinVar variation 5001607 (VCV005001607.1).

ClinVar aggregate classification (germline): Uncertain significance (1 of 4 stars; one submission).

Conditions:
PLXNA1-related disorder. Also called: PLXNA1-related condition.

gnomAD v4.1: 3 of 1,612,472 alleles (0.00019%); highest among the groups gnomAD compares: Non-Finnish European, 0.00025%; no homozygotes.

Submission:

PreventionGenetics, part of Exact Sciences
Classification: Uncertain significance for PLXNA1-related condition. Last evaluated: 2025-02-28. Review status: criteria provided, single submitter. Criteria: ACMG Guidelines, 2015. Collection method: clinical testing. Allele origin: germline.
Comment: The PLXNA1 c.2113G>T variant is predicted to result in the amino acid substitution p.Asp705Tyr. This variant occurs at the first nucleotide position of exon 9 and is predicted to interfere with splicing at the consensus site (SpliceAI, Jaganathan K, et al. 2019. PubMed ID: 30661751). To our knowledge, this variant has not been reported in the literature. This variant is reported in 0.00088% of alleles in individuals of European (Non-Finnish) descent in gnomAD. At this time, the clinical significance of this variant is uncertain due to the absence of conclusive functional and genetic evidence.